The following is an entry in ClinVar:

ClinVar aggregate classification (germline): Uncertain significance. Review status: criteria provided, multiple submitters, no conflicts (2 of 4 stars). 2 submissions from 2 submitters: Uncertain significance (2). Last evaluated 2025-11-03.

Allele frequency attached by ClinVar (database versions not stated): gnomAD 0.00001; gnomAD exomes 0.00001; TOPMed 0.00002.
gnomAD v4.1: 16 of 1,613,876 alleles (0.00099%); highest among the groups gnomAD compares: Non-Finnish European, 0.0014%; no homozygotes.

Submissions (2):

Labcorp Genetics (formerly Invitae), Labcorp
Classification: Uncertain significance. Last evaluated: 2025-11-03. Review status: criteria provided, single submitter. Criteria: Invitae Variant Classification Sherloc (09022015). Collection method: clinical testing. Allele origin: germline.
Comment: This sequence change replaces glutamine, which is neutral and polar, with arginine, which is basic and polar, at codon 635 of the TET2 protein (p.Gln635Arg). This variant is present in population databases (no rsID available, gnomAD 0.003%). This variant has not been reported in the literature in individuals affected with TET2-related conditions. ClinVar contains an entry for this variant (Variation ID: 1982714). An algorithm developed to predict the effect of missense changes on protein structure and function (PolyPhen-2) suggests that this variant is likely to be tolerated. In summary, the available evidence is currently insufficient to determine the role of this variant in disease. Therefore, it has been classified as a Variant of Uncertain Significance.

Ambry Genetics
Classification: Uncertain significance. Last evaluated: 2025-09-25. Review status: criteria provided, single submitter. Criteria: Ambry Variant Classification Scheme 2023. Collection method: clinical testing. Allele origin: germline.

NM_001127208.3(TET2):c.1904A>G (p.Gln635Arg)

Genes: TET2 (tet methylcytosine dioxygenase 2; plus strand), TET2-AS1 (TET2 antisense RNA 1; minus strand). Cytogenetic location: 4q24.
Variant type: single nucleotide variant.
Coding change: c.1904A>G on transcript NM_001127208.3 (MANE Select); coding-DNA position 1904, A replaced by G.
Protein change: p.Gln635Arg; replaces glutamine 635 with arginine.
Molecular consequence: missense variant.
Genome position (GRCh38, 1-based): chr4:105,235,846, A>G. VCF-style: chr4-105235846-A-G. GRCh37 (hg19) VCF-style: chr4-106157003-A-G.
Other names: c.1904A>G, p.Gln635Arg (NM_017628.4); short protein forms Q635R.
Identifiers: ClinVar variation 1982714 (VCV001982714.7), dbSNP rs962385281, ClinGen allele CA102751878.